The following is an entry in ClinVar:

NM_173598.6(KSR2):c.376C>T (p.Gln126Ter)

Gene: KSR2 (kinase suppressor of ras 2; minus strand). Cytogenetic location: 12q24.23.
Variant type: single nucleotide variant.
Coding change: c.376C>T on transcript NM_173598.6 (MANE Select); coding-DNA position 376, C replaced by T.
Protein change: p.Gln126Ter; replaces glutamine 126 with a stop codon.
Molecular consequence: nonsense.
Genome position (GRCh38, 1-based): chr12:117,855,524, G>A on the plus strand (C>T on the coding strand, the complement: KSR2 is on the minus strand). VCF-style: chr12-117855524-G-A. GRCh37 (hg19) VCF-style: chr12-118293329-G-A.
Other names: short protein forms Q126*.
Identifiers: ClinVar variation 4985757 (VCV004985757.1).
Genomic context (GRCh38, chr12:117,855,524, plus strand): 5'-CGTTGAGGCGGGCACACTCCTCCCGGTTGGCTCCGTATTTCTCCACAGTCTCGCACACCT[G>A]TTCATCCGTCATCTCCAAGAGGTCCTCCAGGCTCAGCTGGCCGGGGGAGATTTCCTAGAG-3'

ClinVar aggregate classification (germline): Uncertain significance (1 of 4 stars; one submission).

Conditions:
KSR2-related disorder. Also called: KSR2-related condition.

gnomAD v4.1: 1 of 1,614,004 alleles (0.000062%); highest among the groups gnomAD compares: Non-Finnish European, 0.000085%; no homozygotes.

Submission:

PreventionGenetics, part of Exact Sciences
Classification: Uncertain significance for KSR2-related condition. Last evaluated: 2026-01-07. Review status: criteria provided, single submitter. Criteria: ACMG Guidelines, 2015. Collection method: clinical testing. Allele origin: germline.
Comment: The KSR2 c.289C>T variant is predicted to result in premature protein termination (p.Gln97*). To our knowledge, this variant has not been reported in the literature or in a large population database (gnomAD), indicating this variant is rare. Although we suspect that this variant may be pathogenic, at this time, the clinical significance of this variant is uncertain due to the absence of conclusive functional and genetic evidence.